The following is an entry in ClinVar:

ClinVar aggregate classification (germline): Pathogenic/Likely pathogenic. Review status: criteria provided, multiple submitters, no conflicts (2 of 4 stars). 11 submissions from 11 submitters: Pathogenic (6); Likely pathogenic (5). Last evaluated 2026-01-26.

Conditions:
Wilson disease (WND). Also called: Wilson's disease. Identifiers: Orphanet 905, MedGen C0019202, MONDO:0010200, OMIM 277900. Disease mechanism: loss of function.

Allele frequency attached by ClinVar (database versions not stated): gnomAD 0.00001 and 0.00002; 1000 Genomes Project 30x 0.00016; ESP Exome Variant Server 0.00017; gnomAD exomes 0.00002; TOPMed 0.00002; ExAC 0.00003.
gnomAD v4.1: 27 of 1,613,960 alleles (0.0017%); highest among the groups gnomAD compares: South Asian, 0.0022%; no homozygotes.

Submissions (11):

Labcorp Genetics (formerly Invitae), Labcorp
Classification: Pathogenic for Wilson disease. Last evaluated: 2026-01-26. Review status: criteria provided, single submitter. Criteria: Invitae Variant Classification Sherloc (09022015). Collection method: clinical testing. Allele origin: germline.
Comment: This sequence change replaces arginine, which is basic and polar, with tryptophan, which is neutral and slightly polar, at codon 616 of the ATP7B protein (p.Arg616Trp). This variant is present in population databases (rs374172791, gnomAD 0.004%). This missense change has been observed in individuals with Wilson disease (PMID: 11690702, 28507923). ClinVar contains an entry for this variant (Variation ID: 863093). Invitae Evidence Modeling of protein sequence and biophysical properties (such as structural, functional, and spatial information, amino acid conservation, physicochemical variation, residue mobility, and thermodynamic stability) indicates that this missense variant is expected to disrupt ATP7B protein function with a positive predictive value of 80%. This variant disrupts the p.Arg616 amino acid residue in ATP7B. Other variant(s) that disrupt this residue have been determined to be pathogenic (PMID: 12885331, 21610751, 22735241, 26799313). This suggests that this residue is clinically significant, and that variants that disrupt this residue are likely to be disease-causing. For these reasons, this variant has been classified as Pathogenic.

Natera, Inc.
Classification: Pathogenic for Wilson disease. Last evaluated: 2025-12-29. Review status: criteria provided, single submitter. Criteria: Natera Variant Classification Schema (03/2026). Collection method: clinical testing. Allele origin: germline.
Comment: The c.1846C>T variant in ATP7B is a missense variant predicted to cause substitution of arginine to tryptophan at amino acid 616. This variant is rare in the general population with a frequency below the threshold expected for the associated phenotype(s). This variant has been observed in one or more individuals affected with the associated recessive disease, as either homozygous or compound heterozygous with a second variant (PMID: 35220961). A different variant at the same position has been determined to be Pathogenic or Likely Pathogenic. Computational prediction algorithms indicate this variant is likely to affect gene or protein function. Given the available evidence, this variant is classified as Pathogenic.

Color Diagnostics, LLC DBA Color Health
Classification: Pathogenic for Wilson disease. Last evaluated: 2025-06-10. Review status: criteria provided, single submitter. Criteria: ACMG Guidelines, 2015. Collection method: clinical testing. Allele origin: germline.
Comment: This missense variant replaces arginine with tryptophan at codon 616 of the ATP7B protein. Computational prediction suggests that this variant may have deleterious impact on protein structure and function. Functional studies have shown the mutant protein to exhibit normal subcellular localization but copper transport defects and hyperphosphorylation activity (PMID: 12557139, 22240481, 31598802). This variant has been observed in the compound heterozygous and homozygous states in individuals affected with autosomal recessive Wilson disease (PMID: 11690702, 28507923, 33640437, 34470610), indicating that this variant contributes to disease. This variant has been identified in 4/249570 chromosomes in the general population by the Genome Aggregation Database (gnomAD). Based on the available evidence, this variant is classified as Pathogenic.

CeGaT Center for Human Genetics Tuebingen
Classification: Pathogenic. Last evaluated: 2025-03-01. Review status: criteria provided, single submitter. Criteria: CeGaT Center For Human Genetics Tuebingen Variant Classification Criteria Version 2. Collection method: clinical testing. Allele origin: germline. Affected: yes. Observed: 1 variant allele.
Comment: ATP7B: PM2, PM3, PM5, PP4:Moderate, PS3:Moderate

All of Us Research Program, National Institutes of Health
Classification: Pathogenic for Wilson disease. Last evaluated: 2024-08-06. Review status: criteria provided, single submitter. Criteria: ACMG Guidelines, 2015. Collection method: clinical testing. Allele origin: germline. Inheritance: Autosomal recessive inheritance. Observed: 2 variant alleles, 2 heterozygotes.
Comment: This missense variant replaces arginine with tryptophan at codon 616 of the ATP7B protein. Computational prediction suggests that this variant may have deleterious impact on protein structure and function (internally defined REVEL score threshold >= 0.7, PMID: 27666373). Functional studies have shown that this variant results in disrupted copper transport, hyperphosphorylation activity, but normal sub-cellular localization (PMID: 12557139, 22240481, 31598802). This variant has been observed in the compound heterozygous and homozygous states in individuals affected with autosomal recessive Wilson disease (PMID: 11690702, 28507923, 33640437, 34470610), indicating that this variant contributes to disease. This variant has been identified in 4/249570 chromosomes in the general population by the Genome Aggregation Database (gnomAD). Based on the available evidence, this variant is classified as Pathogenic.

This study involves interpretation of variants in research participants for the purpose of population health screening. Participant phenotype was not available at the time of variant classification. Additional details can be found in publication PMID: 35346344, PMCID: PMC8962531

Fulgent Genetics
Classification: Likely pathogenic for Wilson disease. Last evaluated: 2024-05-25. Review status: criteria provided, single submitter. Criteria: ACMG Guidelines, 2015. Collection method: clinical testing. Allele origin: germline.

Baylor Genetics
Classification: Likely pathogenic for Wilson disease. Last evaluated: 2024-01-22. Review status: criteria provided, single submitter. Criteria: ACMG Guidelines, 2015. Collection method: clinical testing. Allele origin: unknown.

Mayo Clinic Laboratories, Mayo Clinic
Classification: Pathogenic. Last evaluated: 2022-09-07. Review status: criteria provided, single submitter. Criteria: ACMG Guidelines, 2015. Collection method: clinical testing. Allele origin: germline. Observed: 3 variant alleles.
Comment: PP3, PP4, PM2, PM5, PS3

Johns Hopkins Genomics, Johns Hopkins University
Classification: Likely pathogenic for Wilson disease. Last evaluated: 2022-09-02. Review status: criteria provided, single submitter. Criteria: ACMG Guidelines, 2015. Collection method: clinical testing. Allele origin: germline.
Comment: This ATP7B variant (rs374172791) is rare (<0.1%) in a large population dataset (gnomAD: 4/249570 total alleles; 0.0016%; no homozygotes) and has been reported in ClinVar. A different pathogenic missense change affecting the same amino acid, c.1847G>A (p.Arg616Gln), has also been reported. Two bioinformatic tools queried predict that this substitution would be damaging, and the arginine residue at this position is strongly conserved across the vertebrate species assessed. Bioinformatic analysis predicts that this variant would not affect normal exon 5 splicing, although this has not been confirmed experimentally to our knowledge. This variant has been reported in the literature in a homozygous or compound heterozygous state in individuals with WND. We consider c.1846C>T to be likely pathogenic.

Genome-Nilou Lab
Classification: Likely pathogenic for Wilson disease. Last evaluated: 2021-08-10. Review status: criteria provided, single submitter. Criteria: ACMG Guidelines, 2015. Collection method: clinical testing. Allele origin: germline. Affected: no.

Laboratory for Molecular Medicine, Mass General Brigham Personalized Medicine
Classification: Likely pathogenic for Wilson disease. Last evaluated: 2020-06-11. Review status: criteria provided, single submitter. Criteria: ACMG Guidelines, 2015. Collection method: clinical testing. Allele origin: germline.
Comment: The p.Arg616Trp variant in ATP7B has been previously reported in two individuals with Wilson disease, including one individual who was compound heterozygous for a second pathogenic ATP7B variant (Caca 2001, Dong 2016). It has been identified in 0.004% (5/113286) of European chromosomes by gnomAD. Another missense variant at the same position (c.1847G>A, p.Arg616Gln) has been reported as pathogenic by two clinical laboratories in ClinVar (Variation ID 552606). Computational prediction tools and conservation analyses suggest that this variant may impact the protein, though this information is not predictive enough to determine pathogenicity. A study performed using a baculovirus expression system in Sf9 cells indicated that this variant resulted in reduced copper transport and hyperphosphorylation (de Bie 2007). In summary, although additional studies are required to fully establish its clinical significance, this variant meets criteria to be classified as likely pathogenic for autosomal recessive Wilson disease. ACMG/AMP criteria applied: PM3, PM2_Supporting, PP3, PP4, PS3_Supporting.

Literature cited by the submitters: PubMed 11690702 (cited by 5 submitters); PubMed 28507923 (cited by 4 submitters); PubMed 12885331 (cited by Labcorp Genetics (formerly Invitae), Labcorp); PubMed 21610751 (cited by Labcorp Genetics (formerly Invitae), Labcorp); PubMed 22735241 (cited by Labcorp Genetics (formerly Invitae), Labcorp); PubMed 26799313 (cited by Labcorp Genetics (formerly Invitae), Labcorp); PubMed 35220961 (cited by Natera, Inc.); PubMed 12557139 (cited by Color Diagnostics, LLC DBA Color Health and All of Us Research Program, National Institutes of Health); PubMed 22240481 (cited by 3 submitters); PubMed 31598802 (cited by 3 submitters); PubMed 33640437 (cited by Color Diagnostics, LLC DBA Color Health and All of Us Research Program, National Institutes of Health); PubMed 34470610 (cited by 3 submitters); PubMed 17433323 (cited by Johns Hopkins Genomics, Johns Hopkins University); PubMed 35864215 (cited by Johns Hopkins Genomics, Johns Hopkins University); PubMed 17919502 (cited by Laboratory for Molecular Medicine, Mass General Brigham Personalized Medicine); PubMed 27022412 (cited by Laboratory for Molecular Medicine, Mass General Brigham Personalized Medicine).

NM_000053.4(ATP7B):c.1846C>T (p.Arg616Trp)

Gene: ATP7B (ATPase copper transporting beta; minus strand). Cytogenetic location: 13q14.3.
Variant type: single nucleotide variant.
Coding change: c.1846C>T on transcript NM_000053.4 (MANE Select); coding-DNA position 1846, C replaced by T.
Protein change: p.Arg616Trp; replaces arginine 616 with tryptophan.
Molecular consequence: missense variant.
Genome position (GRCh38, 1-based): chr13:51,964,895, G>A on the plus strand (C>T on the coding strand, the complement: ATP7B is on the minus strand). VCF-style: chr13-51964895-G-A. GRCh37 (hg19) VCF-style: chr13-52539031-G-A.
Other names: c.1846C>T, p.Arg616Trp (NM_001005918.3, NM_001330578.2, NM_001330579.2); c.1513C>T, p.Arg505Trp (NM_001243182.2); short protein forms R505W, R616W.
Identifiers: ClinVar variation 863093 (VCV000863093.32), dbSNP rs374172791, ClinGen allele CA6989213.